The following is an entry in ClinVar:

ClinVar aggregate classification (germline): Benign. Review status: criteria provided, multiple submitters, no conflicts (2 of 4 stars). 3 submissions from 3 submitters: Benign (3). Last evaluated 2026-02-01.

Allele frequency attached by ClinVar (database versions not stated): 1000 Genomes Project 30x 0.00016; 1000 Genomes Project 0.00020; gnomAD exomes 0.00094 and 0.00176; gnomAD 0.00100 and 0.00103; TOPMed 0.00117; ESP Exome Variant Server 0.00125; ExAC 0.00143.
gnomAD v4.1: 1,605 of 1,612,662 alleles (0.1%); highest among the groups gnomAD compares: Middle Eastern, 1.1%; 23 homozygotes.

Submissions (3):

CeGaT Center for Human Genetics Tuebingen
Classification: Benign. Last evaluated: 2026-02-01. Review status: criteria provided, single submitter. Criteria: CeGaT Center For Human Genetics Tuebingen Variant Classification Criteria Version 2. Collection method: clinical testing. Allele origin: germline. Affected: yes. Observed: 2 variant alleles.
Comment: KCNU1: BS1, BS2

Labcorp Genetics (formerly Invitae), Labcorp
Classification: Benign. Last evaluated: 2018-08-07. Review status: criteria provided, single submitter. Criteria: Invitae Variant Classification Sherloc (09022015). Collection method: clinical testing. Allele origin: germline.

Breakthrough Genomics
Classification: Benign. Review status: criteria provided, single submitter. Criteria: ACMG Guidelines, 2015. Collection method: not provided. Allele origin: germline. Inheritance: Autosomal recessive inheritance. Affected: yes.

NM_001031836.3(KCNU1):c.2731G>A (p.Ala911Thr)

Gene: KCNU1 (potassium calcium-activated channel subfamily U member 1; plus strand). Cytogenetic location: 8p11.23.
Variant type: single nucleotide variant.
Coding change: c.2731G>A on transcript NM_001031836.3 (MANE Select); coding-DNA position 2731, G replaced by A.
Protein change: p.Ala911Thr; replaces alanine 911 with threonine.
Molecular consequence: missense variant. On other transcripts: non-coding transcript variant (1).
Genome position (GRCh38, 1-based): chr8:36,922,624, G>A. VCF-style: chr8-36922624-G-A. GRCh37 (hg19) VCF-style: chr8-36780142-G-A.
Other names: short protein forms A911T.
Identifiers: ClinVar variation 732415 (VCV000732415.10), dbSNP rs189989959, ClinGen allele CA4709979.